The following is an entry in ClinVar:

NM_004260.4(RECQL4):c.672G>A (p.Glu224=)

Gene: RECQL4 (RecQ like helicase 4; minus strand). Cytogenetic location: 8q24.3.
Variant type: single nucleotide variant.
Coding change: c.672G>A on transcript NM_004260.4 (MANE Select); coding-DNA position 672, G replaced by A.
Protein change: p.Glu224=; no amino-acid change (glutamic acid 224 retained).
Molecular consequence: synonymous variant. On other transcripts: 5 prime UTR variant (15), non-coding transcript variant (3), intron variant (3).
Genome position (GRCh38, 1-based): chr8:144,516,447, C>T on the plus strand (G>A on the coding strand, the complement: RECQL4 is on the minus strand). VCF-style: chr8-144516447-C-T. GRCh37 (hg19) VCF-style: chr8-145741831-C-T.
Other names: c.672G>A, p.Glu224= (NM_001413017.1, NM_001413018.1, NM_001413019.1 and 4 more transcripts); c.-400G>A (NM_001413022.1, NM_001413023.1, NM_001413024.1 and 5 more transcripts); c.543G>A, p.Glu181= (NM_001413025.1); c.-462G>A (NM_001413027.1, NM_001413030.1, NM_001413031.1 and 2 more transcripts); c.-304G>A (NM_001413034.1); c.-669G>A (NM_001413043.1); c.355-34G>A (NM_001413029.1); c.-366-34G>A (NM_001413021.1, NM_001413028.1).
Identifiers: ClinVar variation 2860571 (VCV002860571.3), dbSNP rs2538093429, ClinGen allele CA463567599.

ClinVar aggregate classification (germline): Uncertain significance (1 of 4 stars; one submission).

Conditions:
Baller-Gerold syndrome (BGS). Also called: CRANIOSYNOSTOSIS WITH RADIAL DEFECTS. Identifiers: Orphanet 1225, MedGen C0265308, MONDO:0009039, OMIM 218600.

Allele frequency attached by ClinVar (database versions not stated): gnomAD exomes below 0.00001.
gnomAD v4.1: 1 of 1,608,908 alleles (0.000062%); highest among the groups gnomAD compares: Non-Finnish European, 0.000085%; no homozygotes.

Submission:

Labcorp Genetics (formerly Invitae), Labcorp
Classification: Uncertain significance for Baller-Gerold syndrome. Last evaluated: 2023-04-29. Review status: criteria provided, single submitter. Criteria: Invitae Variant Classification Sherloc (09022015). Collection method: clinical testing. Allele origin: germline.
Comment: This sequence change affects codon 224 of the RECQL4 mRNA. It is a 'silent' change, meaning that it does not change the encoded amino acid sequence of the RECQL4 protein. This variant is not present in population databases (gnomAD no frequency). This variant has not been reported in the literature in individuals affected with RECQL4-related conditions. Algorithms developed to predict the effect of sequence changes on RNA splicing suggest that this variant may create or strengthen a splice site. In summary, the available evidence is currently insufficient to determine the role of this variant in disease. Therefore, it has been classified as a Variant of Uncertain Significance.